The following is an entry in ClinVar:

ClinVar aggregate classification (germline): Uncertain significance. Review status: criteria provided, multiple submitters, no conflicts (2 of 4 stars). 4 submissions from 4 submitters: Uncertain significance (4). Last evaluated 2025-07-07.

Conditions:
ATM-related cancer predisposition. Also called: ATM-related cancer susceptibility. Identifiers: MedGen CN377759, MONDO:0700270.
Ataxia-telangiectasia syndrome (AT). Also called: Ataxia-telangiectasia, complementation group D; AT, COMPLEMENTATION GROUP C; LOUIS-BAR SYNDROME; Cerebello-oculocutaneous telangiectasia; Immunodeficiency with ataxia telangiectasia; ATAXIA-TELANGIECTASIA, COMPLEMENTATION GROUP A. Identifiers: Orphanet 100, MedGen C0004135, MONDO:0008840, OMIM 208900.
Hereditary cancer-predisposing syndrome. Also called: Hereditary neoplastic syndrome; Neoplastic Syndromes, Hereditary; Tumor predisposition; Hereditary Cancer Syndrome. Identifiers: Orphanet 140162, MedGen C0027672, MeSH D009386, MONDO:0015356.

Allele frequency attached by ClinVar (database versions not stated): gnomAD exomes below 0.00001; ExAC 0.00002.

Submissions (4):

Labcorp Genetics (formerly Invitae), Labcorp
Classification: Uncertain significance for Ataxia-telangiectasia syndrome. Last evaluated: 2025-07-07. Review status: criteria provided, single submitter. Criteria: Invitae Variant Classification Sherloc (09022015). Collection method: clinical testing. Allele origin: germline.
Comment: This sequence change replaces valine, which is neutral and non-polar, with aspartic acid, which is acidic and polar, at codon 517 of the ATM protein (p.Val517Asp). This variant is present in population databases (rs777986229, gnomAD 0.006%). This variant has not been reported in the literature in individuals affected with ATM-related conditions. ClinVar contains an entry for this variant (Variation ID: 1172365). Invitae Evidence Modeling of protein sequence and biophysical properties (such as structural, functional, and spatial information, amino acid conservation, physicochemical variation, residue mobility, and thermodynamic stability) indicates that this missense variant is not expected to disrupt ATM protein function with a negative predictive value of 95%. In summary, the available evidence is currently insufficient to determine the role of this variant in disease. Therefore, it has been classified as a Variant of Uncertain Significance.

Ambry Genetics
Classification: Uncertain significance for Hereditary cancer-predisposing syndrome. Last evaluated: 2023-03-07. Review status: criteria provided, single submitter. Criteria: Ambry Variant Classification Scheme 2023. Collection method: clinical testing. Allele origin: germline.
Comment: The p.V517D variant (also known as c.1550T>A), located in coding exon 9 of the ATM gene, results from a T to A substitution at nucleotide position 1550. The valine at codon 517 is replaced by aspartic acid, an amino acid with highly dissimilar properties. This amino acid position is not well conserved in available vertebrate species. In addition, the in silico prediction for this alteration is inconclusive. Since supporting evidence is limited at this time, the clinical significance of this alteration remains unclear.

Department of Pathology and Laboratory Medicine, Sinai Health System
Classification: Uncertain significance for ATM-related cancer predisposition. Last evaluated: 2022-12-16. Review status: criteria provided, single submitter. Criteria: ACMG Guidelines, 2015. Collection method: clinical testing. Allele origin: germline. Affected: no.

Color Diagnostics, LLC DBA Color Health
Classification: Uncertain significance for Hereditary cancer-predisposing syndrome. Last evaluated: 2020-05-26. Review status: criteria provided, single submitter. Criteria: ACMG Guidelines, 2015. Collection method: clinical testing. Allele origin: germline.
Comment: This missense variant replaces valine with aspartic acid at codon 517 of the ATM protein. Computational prediction suggests that this variant may not impact protein structure and function (internally defined REVEL score threshold <= 0.5, PMID: 27666373). To our knowledge, functional studies have not been reported for this variant. This variant has not been reported in individuals affected with hereditary cancer in the literature. This variant has been identified in 1/251072 chromosomes in the general population by the Genome Aggregation Database (gnomAD). The available evidence is insufficient to determine the role of this variant in disease conclusively. Therefore, this variant is classified as a Variant of Uncertain Significance.

NM_000051.4(ATM):c.1550T>A (p.Val517Asp)

Gene: ATM (ATM serine/threonine kinase; plus strand). Cytogenetic location: 11q22.3.
Variant type: single nucleotide variant.
Coding change: c.1550T>A on transcript NM_000051.4 (MANE Select); coding-DNA position 1550, T replaced by A.
Protein change: p.Val517Asp; replaces valine 517 with aspartic acid.
Molecular consequence: missense variant.
Genome position (GRCh38, 1-based): chr11:108,251,015, T>A. VCF-style: chr11-108251015-T-A. GRCh37 (hg19) VCF-style: chr11-108121742-T-A.
Other names: c.1550T>A, p.Val517Asp (NM_001351834.2); c.1550T>A (NM_000051.2); short protein forms V517D.
Identifiers: ClinVar variation 1172365 (VCV001172365.11), dbSNP rs777986229, ClinGen allele CA6264824.